The following is an entry in ClinVar:

NM_003850.3(SUCLA2):c.209C>T (p.Ser70Phe)

Gene: SUCLA2 (succinate-CoA ligase ADP-forming subunit beta; minus strand). Cytogenetic location: 13q14.2.
Variant type: single nucleotide variant.
Coding change: c.209C>T on transcript NM_003850.3 (MANE Select); coding-DNA position 209, C replaced by T.
Protein change: p.Ser70Phe; replaces serine 70 with phenylalanine.
Molecular consequence: missense variant.
Genome position (GRCh38, 1-based): chr13:47,996,905, G>A on the plus strand (C>T on the coding strand, the complement: SUCLA2 is on the minus strand). VCF-style: chr13-47996905-G-A. GRCh37 (hg19) VCF-style: chr13-48571040-G-A.
Other names: short protein forms S70F.
Identifiers: ClinVar variation 2195759 (VCV002195759.2), dbSNP rs2541715515, ClinGen allele CA388153984.

ClinVar aggregate classification (germline): Uncertain significance (1 of 4 stars; one submission).

Conditions:
Mitochondrial DNA depletion syndrome, encephalomyopathic form with methylmalonic aciduria (MTDPS5). Also called: SUCLA2-Related Mitochondrial DNA Depletion Syndrome, Encephalomyopathic Form with Methylmalonic Aciduria; Mitochondrial encephalomyopathy aminoacidopathy; MITOCHONDRIAL DNA DEPLETION SYNDROME, ENCEPHALOMYOPATHIC FORM, WITH OR WITHOUT METHYLMALONIC ACIDURIA, AUTOSOMAL RECESSIVE, SUCLA2-RELATED; Mitochondrial DNA depletion syndrome 5 (encephalomyopathic with or without methylmalonic aciduria). Identifiers: Orphanet 1933, MedGen C5980207, MONDO:0012791, OMIM 612073.

Submission:

Labcorp Genetics (formerly Invitae), Labcorp
Classification: Uncertain significance for Mitochondrial DNA depletion syndrome, encephalomyopathic form with methylmalonic aciduria. Last evaluated: 2022-01-02. Review status: criteria provided, single submitter. Criteria: Invitae Variant Classification Sherloc (09022015). Collection method: clinical testing. Allele origin: germline.
Comment: In summary, the available evidence is currently insufficient to determine the role of this variant in disease. Therefore, it has been classified as a Variant of Uncertain Significance. Algorithms developed to predict the effect of missense changes on protein structure and function are either unavailable or do not agree on the potential impact of this missense change (SIFT: "Deleterious"; PolyPhen-2: "Possibly Damaging"; Align-GVGD: "Class C0"). This variant has not been reported in the literature in individuals affected with SUCLA2-related conditions. This variant is not present in population databases (gnomAD no frequency). This sequence change replaces serine, which is neutral and polar, with phenylalanine, which is neutral and non-polar, at codon 70 of the SUCLA2 protein (p.Ser70Phe).